The following is an entry in ClinVar:

ClinVar aggregate classification (germline): Conflicting classifications of pathogenicity. Review status: criteria provided, conflicting classifications (1 of 4 stars). 12 submissions from 12 submitters: Pathogenic (3); Likely pathogenic (6); Uncertain significance (1). 2 of the submissions do not count toward it. Last evaluated 2025-12-11.

Conditions:
Cystic fibrosis (CF). Also called: MUCOVISCIDOSIS. Identifiers: Orphanet 586, MedGen C0010674, MONDO:0009061, OMIM 219700. Disease mechanism: loss of function.
Bronchiectasis with or without elevated sweat chloride 1 (BESC1). Also called: Cystic Fibrosis-Like Syndrome. Identifiers: Orphanet 60033, MedGen C2749757, MONDO:0008887, OMIM 211400.
Hereditary pancreatitis (PCTT). Also called: Hereditary chronic pancreatitis; PRSS1-Related Hereditary Pancreatitis. Identifiers: Orphanet 676, MedGen C0238339, MONDO:0008185, OMIM 167800.
Congenital bilateral aplasia of vas deferens from CFTR mutation (CBAVD). Identifiers: Orphanet 48, MedGen C0403814, MONDO:0010178, OMIM 277180. Disease mechanism: loss of function.
CFTR-related disorder (CFTR-RD). Also called: CFTR-related disorders; CFTR-related condition. Identifiers: MedGen C5924204, MONDO:7770004.

Allele frequency attached by ClinVar (database versions not stated): ExAC 0.00001; gnomAD 0.00001; gnomAD exomes 0.00001; 1000 Genomes Project 30x 0.00016; 1000 Genomes Project 0.00020.
gnomAD v4.1: 2 of 1,609,610 alleles (0.00012%); highest among the groups gnomAD compares: East Asian, 0.0022%; no homozygotes.

Submissions (12):

Women's Health and Genetics/Laboratory Corporation of America, LabCorp
Classification: Pathogenic for Cystic fibrosis. Last evaluated: 2025-12-11. Review status: criteria provided, single submitter. Criteria: LabCorp Variant Classification Summary - May 2015. Collection method: clinical testing. Allele origin: germline.
Comment: Variant summary: CFTR c.869+5G>A alters a conserved nucleotide located close to a canonical splice site and therefore could affect mRNA splicing, leading to a significantly altered protein sequence. Several computational tools predict a significant impact on normal splicing: Two predict the variant abolishes the canonical 5' splicing donor site. One predicts the variant weakens the 5' donor site. At least one publication reports experimental evidence that this variant indeed affects mRNA splicing, resulting in exon skipping (Raynal_2013). The variant allele was found at a frequency of 8.1e-06 in 248194 control chromosomes. c.869+5G>A has been observed in individuals affected with cystic fibrosis (e.g. Giradet_2007, Raynal_2013, Zhou_2025) and individuals affected with congenital absence of the vas deferens (e.g. Goh_2007, Fang_2022). These data indicate that the variant is likely to be associated with disease. The following publications have been ascertained in the context of this evaluation (PMID: 36437957, 17850636, 17398169, 22483971, 23381846, 26277102, 40128832). ClinVar contains an entry for this variant (Variation ID: 552934). Based on the evidence outlined above, the variant was classified as pathogenic.

ARUP Laboratories, Molecular Genetics and Genomics, ARUP Laboratories
Classification: Likely pathogenic for Cystic fibrosis; Bronchiectasis with or without elevated sweat chloride 1; Hereditary pancreatitis; Congenital bilateral aplasia of vas deferens from CFTR mutation. Last evaluated: 2025-07-03. Review status: criteria provided, single submitter. Criteria: ARUP Molecular Germline Variant Investigation Process 2024. Collection method: clinical testing. Allele origin: germline.
Comment: The CFTR c.869+5G>A variant (rs533959068, ClinVar Variation ID: 552934), also reported as 1001+5 G>A, is reported homozygous and with 5T in individuals affected with congenital bilateral absence of the vas deferens (CBAVD, Fang 2022, Go 2007). The CFTR- France database reported this variant in an individual with cystic fibrosis, while the Sickkids database reported this variant in trans to F508del in an individual with borderline sweat chloride levels but without any classic CF symptoms. This variant is found in the East Asian population with an allele frequency of 0.01% (2/18,296 alleles) in the Genome Aggregation Database (v2.1.1). A minigene assay found that this variant results in skipping of exon 8 (Raynal 2013). Based on available information, this variant is considered to be likely pathogenic -mild.References: Fang J et al. Congenital absence of the vas deferens with hypospadias or without hypospadias: Phenotypic findings and genetic considerations. Front Genet. 2022 Nov 9;13:1035468. PMID: 36437957. Goh DL et al. Novel CFTR gene mutation in a patient with CBAVD. J Cyst Fibros. 2007 Nov 30;6(6):423-5. PMID: 17398169. Link to CFTR -France database: Link to Sickkids database: Raynal C et al. A classification model relative to splicing for variants of unknown clinical significance: application to the CFTR gene. Hum Mutat. 2013 May;34(5):774-84. PMID: 23381846.

Natera, Inc.
Classification: Likely pathogenic for CFTR-related disorders. Last evaluated: 2025-02-26. Review status: criteria provided, single submitter. Criteria: Natera Variant Classification Schema (03/2026). Collection method: clinical testing. Allele origin: germline.
Comment: The c.869+5G>A variant in CFTR is an intronic variant located outside the canonical splice sites. This variant is rare in the general population with a frequency below the threshold expected for the associated phenotype(s). This variant has been observed in one or more individuals affected with the associated recessive disease, as either homozygous or compound heterozygous with a second variant (PMID: 33452147, 30389600). Functional studies show that this variant may disrupt protein function (PMID: 23381846). Computational prediction algorithms indicate this variant is likely to affect gene or protein function. Given the available evidence, this variant is classified as Likely Pathogenic.

Baylor Genetics
Classification: Likely pathogenic for Bronchiectasis with or without elevated sweat chloride 1. Last evaluated: 2024-03-22. Review status: criteria provided, single submitter. Criteria: ACMG Guidelines, 2015. Collection method: clinical testing. Allele origin: unknown.

Labcorp Genetics (formerly Invitae), Labcorp
Classification: Pathogenic for Cystic fibrosis. Last evaluated: 2024-02-06. Review status: criteria provided, single submitter. Criteria: Invitae Variant Classification Sherloc (09022015). Collection method: clinical testing. Allele origin: germline.
Comment: This sequence change falls in intron 7 of the CFTR gene. It does not directly change the encoded amino acid sequence of the CFTR protein. RNA analysis indicates that this variant induces altered splicing and likely results in a shortened protein product. This variant is present in population databases (rs533959068, gnomAD 0.01%). This variant has been observed in individuals with CFTR-related conditions (PMID: 17398169, 23381846). This variant is also known as 1001+5G>A. ClinVar contains an entry for this variant (Variation ID: 552934). Variants that disrupt the consensus splice site are a relatively common cause of aberrant splicing (PMID: 17576681, 9536098). Studies have shown that this variant results in skipping of exon 7, but is expected to preserve the integrity of the reading-frame (PMID: 23381846). This variant disrupts a region of the CFTR protein in which other variant(s) (p.Arg258Gly) have been determined to be pathogenic (PMID: 7529962, 9305991, 10376575, 11466205, 16196493, 19810821, 23104983). This suggests that this is a clinically significant region of the protein, and that variants that disrupt it are likely to be disease-causing. For these reasons, this variant has been classified as Pathogenic.

Ambry Genetics
Classification: Likely pathogenic for Cystic fibrosis. Last evaluated: 2023-06-07. Review status: criteria provided, single submitter. Criteria: Ambry Variant Classification Scheme 2023. Collection method: clinical testing. Allele origin: germline.
Comment: The c.869+5G>A intronic variant results from a G to A substitution 5 nucleotides after coding exon 7 in the CFTR gene. This variant has been observed in individuals with CFTR-related conditions (Goh DL et al. J Cyst Fibros, 2007 Nov;6:423-5). Minigene RNA studies have demonstrated that this alteration results in skipping of exon 7 (also reported as exon 6b) (Raynal C et al. Hum Mutat, 2013 May;34:774-84). Of note, this alteration is also known as 1001+5G>A in published literature. Another alteration impacting the same donor site (c.869+3A>T) has been shown to have a similar impact on splicing in skipping of exon 7 and the variant has been identified in individuals diagnosed with classic cystic fibrosis (Schrijver I et al. Am J Med Genet A, 2005 Feb;133A:103-5; Fa&agrave; V et al. J Mol Diagn, 2006 Sep;8:499-503). This nucleotide position is highly conserved in available vertebrate species. In silico splice site analysis predicts that this alteration will weaken the native splice donor site. Based on the majority of available evidence to date, this variant is likely to be pathogenic.

Blueprint Genetics
Classification: Uncertain significance. Last evaluated: 2022-07-18. Review status: criteria provided, single submitter. Criteria: ACMG Guidelines, 2015. Collection method: clinical testing. Allele origin: germline.

Genome-Nilou Lab
Classification: Likely pathogenic for Cystic fibrosis. Last evaluated: 2021-07-22. Review status: criteria provided, single submitter. Criteria: ACMG Guidelines, 2015. Collection method: clinical testing. Allele origin: germline. Affected: no.

CFTR-France
Classification: Pathogenic for cystic fibrosis. Last evaluated: 2018-01-29. Review status: criteria provided, single submitter. Criteria: Claustres M et al. (Hum Mutat 2017). Collection method: curation. Allele origin: germline. Affected: yes.

Juno Genomics, Hangzhou Juno Genomics, Inc
Classification: Likely pathogenic for Congenital bilateral aplasia of vas deferens from CFTR mutation; Cystic fibrosis. Review status: criteria provided, single submitter. Criteria: ACMG Guidelines, 2015. Collection method: clinical testing. Allele origin: germline.
Comment: Absent from controls (or at extremely low frequency if recessive) in Genome Aggregation Database.;Null variant in a gene where loss of function (LOF) is a known mechanism of disease.;For recessive disorders, detected in trans with a pathogenic variant.;Patient's phenotype or family history is highly specific for a disease with a single genetic etiology.

PreventionGenetics, part of Exact Sciences
Classification: Likely pathogenic for CFTR-related condition. Last evaluated: 2023-11-27. Review status: no assertion criteria provided. Collection method: clinical testing. Allele origin: germline. Not counted in ClinVar's aggregate classification.
Comment: The CFTR c.869+5G>A variant is predicted to interfere with splicing. This variant was reported in individuals with congenital absence of vas deferens (described as 1001+5G>A, Goh et al. 2007. PubMed ID: 17398169; Table S1, Fang et al. 2022. PubMed ID: 36437957). A minigene assay showed that this variant results in exon skipping (Raynal et al. 2013. PubMed ID: 23381846). This variant is reported in 0.011% of alleles in individuals of East Asian descent in gnomAD and is interpreted as pathogenic or likely pathogenic by most of the submitters in ClinVar. This variant is interpreted as likely pathogenic.

Counsyl
Classification: Uncertain significance for Cystic fibrosis. Last evaluated: 2017-07-21. Review status: no assertion criteria provided. Collection method: clinical testing. Allele origin: unknown. Not counted in ClinVar's aggregate classification.

Literature cited by the submitters: PubMed 17850636 (cited by Women's Health and Genetics/Laboratory Corporation of America, LabCorp); PubMed 23381846 (cited by 4 submitters); PubMed 22483971 (cited by Women's Health and Genetics/Laboratory Corporation of America, LabCorp and Ambry Genetics); PubMed 17398169 (cited by 3 submitters); PubMed 26277102 (cited by Women's Health and Genetics/Laboratory Corporation of America, LabCorp); PubMed 36437957 (cited by Women's Health and Genetics/Laboratory Corporation of America, LabCorp); PubMed 40128832 (cited by Women's Health and Genetics/Laboratory Corporation of America, LabCorp); PubMed 33452147 (cited by Natera, Inc.); PubMed 30389600 (cited by Natera, Inc.); PubMed 17576681 (cited by Labcorp Genetics (formerly Invitae), Labcorp); PubMed 9536098 (cited by Labcorp Genetics (formerly Invitae), Labcorp); PubMed 7529962 (cited by Labcorp Genetics (formerly Invitae), Labcorp); PubMed 9305991 (cited by Labcorp Genetics (formerly Invitae), Labcorp); PubMed 10376575 (cited by Labcorp Genetics (formerly Invitae), Labcorp); PubMed 11466205 (cited by Labcorp Genetics (formerly Invitae), Labcorp); PubMed 16196493 (cited by Labcorp Genetics (formerly Invitae), Labcorp); PubMed 19810821 (cited by Labcorp Genetics (formerly Invitae), Labcorp); PubMed 23104983 (cited by Labcorp Genetics (formerly Invitae), Labcorp).

NM_000492.4(CFTR):c.869+5G>A

Gene: CFTR (CF transmembrane conductance regulator; plus strand). Cytogenetic location: 7q31.2.
Variant type: single nucleotide variant.
Coding change: c.869+5G>A on transcript NM_000492.4 (MANE Select); 5 bases into the intron after coding-DNA position 869, G replaced by A.
Molecular consequence: intron variant.
Genome position (GRCh38, 1-based): chr7:117,536,678, G>A. VCF-style: chr7-117536678-G-A. GRCh37 (hg19) VCF-style: chr7-117176732-G-A.
Identifiers: ClinVar variation 552934 (VCV000552934.28), dbSNP rs533959068, ClinGen allele CA4450845.
Genomic context (GRCh38, chr7:117,536,678, plus strand): 5'-GTTAAGGCATACTGCTGGGAAGAAGCAATGGAAAAAATGATTGAAAACTTAAGACAGTAA[G>A]TTGTTCCAATAATTTCAATATTGTTAGTAATTCTGTCCTTAATTTTTTAAAAATATGTTT-3'